The following is an entry in ClinVar:

ClinVar aggregate classification (germline): Likely benign. Review status: criteria provided, multiple submitters, no conflicts (2 of 4 stars). 2 submissions from 2 submitters: Likely benign (2). Last evaluated 2025-08-31.

Conditions:
Hereditary hyperekplexia. Identifiers: Orphanet 3197, MedGen C4084968, MONDO:0021022.

Allele frequency attached by ClinVar (database versions not stated): gnomAD exomes 0.00003 and 0.00006; ExAC 0.00007; ESP Exome Variant Server 0.00023; gnomAD 0.00025 and 0.00026; TOPMed 0.00028; 1000 Genomes Project 0.00040; 1000 Genomes Project 30x 0.00047.
gnomAD v4.1: 78 of 1,613,120 alleles (0.0048%); highest among the groups gnomAD compares: African/African-American, 0.1%; no homozygotes.

Submissions (3):

Labcorp Genetics (formerly Invitae), Labcorp
Classification: Likely benign for Hereditary hyperekplexia. Last evaluated: 2025-08-31. Review status: criteria provided, single submitter. Criteria: Invitae Variant Classification Sherloc (09022015). Collection method: clinical testing. Allele origin: germline.

Women's Health and Genetics/Laboratory Corporation of America, LabCorp
Classification: Likely benign. Last evaluated: 2025-01-08. Review status: criteria provided, single submitter. Criteria: LabCorp Variant Classification Summary - May 2015. Collection method: clinical testing. Allele origin: germline.
Comment: Variant summary: GLRA1 c.913-14C>A alters a nucleotide located at a position not widely known to affect splicing. Consensus agreement among computation tools predict no significant impact on normal splicing (TraP). However, these predictions have yet to be confirmed by functional studies. The variant allele was found at a frequency of 6.4e-05 in 250140 control chromosomes. This frequency is not significantly higher than estimated for a pathogenic variant in GLRA1 causing Hyperekplexia 1, allowing no conclusion about variant significance. To our knowledge, no occurrence of c.913-14C>A in individuals affected with Hyperekplexia 1 and no experimental evidence demonstrating its impact on protein function have been reported. ClinVar contains an entry for this variant (Variation ID: 1586749). Based on the evidence outlined above, the variant was classified as likely benign.

Dr. Peter K. Rogan Lab, Western University
No classification provided (evidence only). Condition: Gastric cancer. Review status: no classification provided. Collection method: in vitro. Allele origin: not applicable. Functional consequence: retained intron. Not counted in ClinVar's aggregate classification.

NM_000171.4(GLRA1):c.913-14C>A

Gene: GLRA1 (glycine receptor alpha 1; minus strand). Cytogenetic location: 5q33.1.
Variant type: single nucleotide variant.
Coding change: c.913-14C>A on transcript NM_000171.4 (MANE Select); 14 bases into the intron before coding-DNA position 913, C replaced by A.
Molecular consequence: intron variant.
Genome position (GRCh38, 1-based): chr5:151,829,081, G>T on the plus strand (C>A on the coding strand, the complement: GLRA1 is on the minus strand). VCF-style: chr5-151829081-G-T. GRCh37 (hg19) VCF-style: chr5-151208642-G-T.
Other names: c.664-14C>A (NM_001292000.2); c.913-14C>A (NM_001146040.2).
Identifiers: ClinVar variation 1586749 (VCV001586749.12), dbSNP rs373113309, ClinGen allele CA3523573.
Genomic context (GRCh38, chr5:151,829,081, plus strand): 5'-AGCAGGCAAACTGCCATCCAAATGTCAATGGCTTTCACATAGGACACCTAGAGTGGGGGT[G>T]GAGGAGAAACAGGGAGGTGAAAGCAGGGGAATGTAAAACATTAAGCATGGCGGAATATTT-3'